The following is an entry in ClinVar:

ClinVar aggregate classification (germline): Benign. Review status: criteria provided, multiple submitters, no conflicts (2 of 4 stars). 5 submissions from 5 submitters: Benign (4). 1 of the submissions does not count toward it. Last evaluated 2026-04-06.

Conditions:
MHC class II deficiency. Also called: BLS, TYPE II; Bare lymphocyte syndrome 2. Identifiers: Orphanet 572, MedGen C5447452, MONDO:0008855.

Allele frequency attached by ClinVar (database versions not stated): gnomAD exomes 0.00087 and 0.00233; ExAC 0.00291; 1000 Genomes Project 30x 0.00734; 1000 Genomes Project 0.00779; gnomAD 0.00879 and 0.00964; TOPMed 0.01038; ESP Exome Variant Server 0.01108.
gnomAD v4.1: 2,677 of 1,614,214 alleles (0.17%); highest among the groups gnomAD compares: African/African-American, 3.1%; 47 homozygotes.

Submissions (5):

Women's Health and Genetics/Laboratory Corporation of America, LabCorp
Classification: Benign. Last evaluated: 2026-04-06. Review status: criteria provided, single submitter. Criteria: LabCorp Variant Classification Summary - May 2015. Collection method: clinical testing. Allele origin: germline.

Labcorp Genetics (formerly Invitae), Labcorp
Classification: Benign for MHC class II deficiency. Last evaluated: 2026-01-28. Review status: criteria provided, single submitter. Criteria: Invitae Variant Classification Sherloc (09022015). Collection method: clinical testing. Allele origin: germline.

Illumina Laboratory Services, Illumina
Classification: Benign for MHC class II deficiency 1. Last evaluated: 2018-01-13. Review status: criteria provided, single submitter. Criteria: ICSL Variant Classification Criteria 13 December 2019. Collection method: clinical testing. Allele origin: germline.
Comment: This variant was observed in the ICSL laboratory as part of a predisposition screen in an ostensibly healthy population. It had not been previously curated by ICSL or reported in the Human Gene Mutation Database (HGMD: prior to June 1st, 2018), and was therefore a candidate for classification through an automated scoring system. Utilizing variant allele frequency, disease prevalence and penetrance estimates, and inheritance mode, an automated score was calculated to assess if this variant is too frequent to cause the disease. Based on the score and internal cut-off values, a variant classified as benign is not then subjected to further curation. The score for this variant resulted in a classification of benign for this disease.

Breakthrough Genomics
Classification: Benign. Review status: criteria provided, single submitter. Criteria: ACMG Guidelines, 2015. Collection method: not provided. Allele origin: germline. Inheritance: Autosomal recessive inheritance. Affected: yes.

Natera, Inc.
Classification: Benign for Bare lymphocyte syndrome type II. Last evaluated: 2020-09-16. Review status: no assertion criteria provided. Collection method: clinical testing. Allele origin: germline. Not counted in ClinVar's aggregate classification.

NM_000246.4(CIITA):c.3255G>A (p.Thr1085=)

Gene: CIITA (class II major histocompatibility complex transactivator; plus strand). Cytogenetic location: 16p13.13.
Variant type: single nucleotide variant.
Coding change: c.3255G>A on transcript NM_000246.4 (MANE Select); coding-DNA position 3255, G replaced by A.
Protein change: p.Thr1085=; no amino-acid change (threonine 1085 retained).
Molecular consequence: synonymous variant. On other transcripts: non-coding transcript variant (1).
Genome position (GRCh38, 1-based): chr16:10,922,428, G>A. VCF-style: chr16-10922428-G-A. GRCh37 (hg19) VCF-style: chr16-11016285-G-A.
Other names: c.3258G>A, p.Thr1086= (NM_001286402.1, NM_001379332.1); c.1503G>A, p.Thr501= (NM_001286403.2); c.3111G>A, p.Thr1037= (NM_001379330.1); c.3108G>A, p.Thr1036= (NM_001379331.1); c.3255G>A, p.Thr1085= (NM_001379333.1); c.3186G>A, p.Thr1062= (NM_001379334.1).
Identifiers: ClinVar variation 317726 (VCV000317726.18), dbSNP rs75521576, ClinGen allele CA7900756.